The following is an entry in ClinVar:

ClinVar aggregate classification (germline): Uncertain significance. Review status: criteria provided, multiple submitters, no conflicts (2 of 4 stars). 3 submissions from 3 submitters: Uncertain significance (2). 1 of the submissions does not count toward it. Last evaluated 2021-08-16.

Conditions:
CAST-related disorder. Also called: CAST-related condition.
Inborn genetic diseases. Identifiers: MedGen C0950123, MeSH D030342.

Allele frequency attached by ClinVar (database versions not stated): TOPMed 0.00015; gnomAD 0.00019 and 0.00021; gnomAD exomes 0.00026 and 0.00027; ExAC 0.00041; ESP Exome Variant Server 0.00046.
gnomAD v4.1: 405 of 1,611,366 alleles (0.025%); highest among the groups gnomAD compares: Non-Finnish European, 0.033%; no homozygotes.

Submissions (9):

Labcorp Genetics (formerly Invitae), Labcorp
Classification: Uncertain significance. Last evaluated: 2021-08-16. Review status: criteria provided, single submitter. Criteria: Invitae Variant Classification Sherloc (09022015). Collection method: clinical testing. Allele origin: germline.
Comment: In summary, the available evidence is currently insufficient to determine the role of this variant in disease. Therefore, it has been classified as a Variant of Uncertain Significance. This sequence change replaces alanine with glycine at codon 288 of the CAST protein (p.Ala288Gly). The alanine residue is weakly conserved and there is a small physicochemical difference between alanine and glycine. This variant is present in population databases (rs200169373, ExAC 0.08%). This variant has not been reported in the literature in individuals affected with CAST-related conditions. Algorithms developed to predict the effect of missense changes on protein structure and function output the following: SIFT: "Not Available"; PolyPhen-2: "Benign"; Align-GVGD: "Not Available". The glycine amino acid residue is found in multiple mammalian species, which suggests that this missense change does not adversely affect protein function.

Ambry Genetics
Classification: Uncertain significance for Inborn genetic diseases. Last evaluated: 2021-07-09. Review status: criteria provided, single submitter. Criteria: Ambry Variant Classification Scheme 2023. Collection method: clinical testing. Allele origin: germline.

PreventionGenetics, part of Exact Sciences
Classification: Likely benign for CAST-related condition. Last evaluated: 2019-08-01. Review status: no assertion criteria provided. Collection method: clinical testing. Allele origin: germline. Not counted in ClinVar's aggregate classification.
Comment: This variant is classified as likely benign based on ACMG/AMP sequence variant interpretation guidelines (Richards et al. 2015 PMID: 25741868, with internal and published modifications).

Dr. Peter K. Rogan Lab, Western University
No classification provided (evidence only). Condition: Clear cell carcinoma of kidney. Review status: no classification provided. Collection method: in vitro. Allele origin: not applicable. Functional consequence: skipped exon. Not counted in ClinVar's aggregate classification.

Dr. Peter K. Rogan Lab, Western University
No classification provided (evidence only). Condition: Melanoma. Review status: no classification provided. Collection method: in vitro. Allele origin: not applicable. Functional consequence: skipped exon. Not counted in ClinVar's aggregate classification.

Dr. Peter K. Rogan Lab, Western University
No classification provided (evidence only). Condition: Familial cancer of breast. Review status: no classification provided. Collection method: in vitro. Allele origin: not applicable. Functional consequence: skipped exon. Not counted in ClinVar's aggregate classification.

Dr. Peter K. Rogan Lab, Western University
No classification provided (evidence only). Condition: Cervical cancer. Review status: no classification provided. Collection method: in vitro. Allele origin: not applicable. Functional consequence: skipped exon. Not counted in ClinVar's aggregate classification.

Dr. Peter K. Rogan Lab, Western University
No classification provided (evidence only). Condition: Uterine carcinosarcoma. Review status: no classification provided. Collection method: in vitro. Allele origin: not applicable. Functional consequence: skipped exon. Not counted in ClinVar's aggregate classification.

Dr. Peter K. Rogan Lab, Western University
No classification provided (evidence only). Condition: Nonpapillary renal cell carcinoma. Review status: no classification provided. Collection method: in vitro. Allele origin: not applicable. Functional consequence: skipped exon. Not counted in ClinVar's aggregate classification.

NM_001750.7(CAST):c.986C>G (p.Ala329Gly)

Gene: CAST (calpastatin; plus strand). Cytogenetic location: 5q15.
Variant type: single nucleotide variant.
Coding change: c.986C>G on transcript NM_001750.7 (MANE Select); coding-DNA position 986, C replaced by G.
Protein change: p.Ala329Gly; replaces alanine 329 with glycine.
Molecular consequence: missense variant.
Genome position (GRCh38, 1-based): chr5:96,741,333, C>G. VCF-style: chr5-96741333-C-G. GRCh37 (hg19) VCF-style: chr5-96077037-C-G.
Other names: c.863C>G (NM_001042440.2, NM_001042440.4); c.863C>G, p.Ala288Gly (NM_001042440.5, NM_001330627.2); c.929C>G, p.Ala310Gly (NM_001042441.3); c.920C>G, p.Ala307Gly (NM_001042442.3); c.737C>G, p.Ala246Gly (NM_001042443.3); c.614C>G, p.Ala205Gly (NM_001042444.3, NM_001284212.4); c.632C>G, p.Ala211Gly (NM_001042445.3); c.671C>G, p.Ala224Gly (NM_001330632.2, NM_173060.5); and 9 more; short protein forms A174G, A205G, A224G, A227G, A246G, A273G, A292G, A297G.
Identifiers: ClinVar variation 1438775 (VCV001438775.10), dbSNP rs200169373, ClinGen allele CA3351054.